The following is an entry in ClinVar:

ClinVar aggregate classification (germline): Uncertain significance (1 of 4 stars; one submission).

Allele frequency attached by ClinVar (database versions not stated): gnomAD exomes below 0.00001 and 0.00001; ExAC 0.00002.
gnomAD v4.1: 5 of 1,613,438 alleles (0.00031%); highest among the groups gnomAD compares: Non-Finnish European, 0.00042%; no homozygotes.

Submission:

Labcorp Genetics (formerly Invitae), Labcorp
Classification: Uncertain significance. Last evaluated: 2024-10-26. Review status: criteria provided, single submitter. Criteria: Invitae Variant Classification Sherloc (09022015). Collection method: clinical testing. Allele origin: germline.
Comment: This sequence change replaces glycine, which is neutral and non-polar, with glutamic acid, which is acidic and polar, at codon 478 of the GLIS3 protein (p.Gly478Glu). This variant is present in population databases (rs757071195, gnomAD 0.002%). This variant has not been reported in the literature in individuals affected with GLIS3-related conditions. ClinVar contains an entry for this variant (Variation ID: 1505101). An algorithm developed to predict the effect of missense changes on protein structure and function (PolyPhen-2) suggests that this variant is likely to be disruptive. In summary, the available evidence is currently insufficient to determine the role of this variant in disease. Therefore, it has been classified as a Variant of Uncertain Significance.

NM_001042413.2(GLIS3):c.1898G>A (p.Gly633Glu)

Gene: GLIS3 (GLIS family zinc finger 3; minus strand). Cytogenetic location: 9p24.2.
Variant type: single nucleotide variant.
Coding change: c.1898G>A on transcript NM_001042413.2 (MANE Select); coding-DNA position 1898, G replaced by A.
Protein change: p.Gly633Glu; replaces glycine 633 with glutamic acid.
Molecular consequence: missense variant.
Genome position (GRCh38, 1-based): chr9:3,932,445, C>T on the plus strand (G>A on the coding strand, the complement: GLIS3 is on the minus strand). VCF-style: chr9-3932445-C-T. GRCh37 (hg19) VCF-style: chr9-3932445-C-T.
Other names: c.1433G>A, p.Gly478Glu (NM_152629.4); short protein forms G478E, G633E.
Identifiers: ClinVar variation 1505101 (VCV001505101.5), dbSNP rs757071195, ClinGen allele CA4968024.